The following is an entry in ClinVar:

ClinVar aggregate classification (germline): Pathogenic/Likely pathogenic. Review status: criteria provided, multiple submitters, no conflicts (2 of 4 stars). 2 submissions from 2 submitters: Pathogenic (1); Likely pathogenic (1). Last evaluated 2025-10-13.

Conditions:
Retinitis pigmentosa 26 (RP26). Identifiers: Orphanet 791, MedGen C1842127, MONDO:0012024, OMIM 608380.

Submissions (2):

Natera, Inc.
Classification: Likely pathogenic for Retinitis Pigmentosa 26. Last evaluated: 2025-10-13. Review status: criteria provided, single submitter. Criteria: Natera Variant Classification Schema (03/2026). Collection method: clinical testing. Allele origin: germline.
Comment: The c.396del variant in CERKL is a frameshift variant predicted to shift the reading frame beginning at codon 132 and leads to a stop codon 2 codons downstream. This variant is expected to result in nonsense mediated decay, truncation, or a dysfunctional protein product. This variant is rare in the general population with a frequency below the threshold expected for the associated phenotype(s). Given the available evidence, this variant is classified as Likely Pathogenic.

Labcorp Genetics (formerly Invitae), Labcorp
Classification: Pathogenic. Last evaluated: 2023-02-22. Review status: criteria provided, single submitter. Criteria: Invitae Variant Classification Sherloc (09022015). Collection method: clinical testing. Allele origin: germline.
Comment: This sequence change creates a premature translational stop signal (p.Lys132Asnfs*2) in the CERKL gene. It is expected to result in an absent or disrupted protein product. Loss-of-function variants in CERKL are known to be pathogenic (PMID: 14681825, 23591405, 24043777). This variant is present in population databases (no rsID available, gnomAD 0.003%). This variant has not been reported in the literature in individuals affected with CERKL-related conditions. For these reasons, this variant has been classified as Pathogenic.

Literature cited by the submitters: PubMed 14681825 (cited by Labcorp Genetics (formerly Invitae), Labcorp); PubMed 23591405 (cited by Labcorp Genetics (formerly Invitae), Labcorp); PubMed 24043777 (cited by Labcorp Genetics (formerly Invitae), Labcorp).

NM_201548.5(CERKL):c.396del (p.Lys132fs)

Gene: CERKL (CERK like autophagy regulator; minus strand). Cytogenetic location: 2q31.3.
Variant type: Deletion.
Coding change: c.396del on transcript NM_201548.5 (MANE Select); coding-DNA position 396, one base deleted (A; older notation c.396delA).
Protein change: p.Lys132fs; shifts the reading frame from lysine 132.
Molecular consequence: frameshift variant. On other transcripts: non-coding transcript variant (2).
Genome position (GRCh38, 1-based): chr2:181,603,922, T deleted on the plus strand (A on the coding strand, the reverse complement: CERKL is on the minus strand); the first of 3 consecutive T bases (chr2:181,603,922-181,603,924); deleting any one gives the same sequence. VCF-style (leftmost placement, unchanged base first): chr2-181603921-GT-G. GRCh37 (hg19) VCF-style: chr2-182468648-GT-G.
Other names: c.396del (NM_001030311.2); c.396del, p.Lys132fs (NM_001030311.3, NM_001030312.3, NM_001030313.3 and 1 more transcripts); c.394delA, p.Lys132Asnfs (NM_001030314.1, NM_001030315.1); short protein forms K132fs.
Identifiers: ClinVar variation 2839846 (VCV002839846.4), dbSNP rs1372680068, ClinGen allele CA538438768.